The following is an entry in ClinVar:

ClinVar aggregate classification (germline): Likely benign. Review status: criteria provided, single submitter (1 of 4 stars). 2 submissions from 1 submitter: Likely benign (2). Last evaluated 2018-01-13.

Conditions:
Alpha-N-acetylgalactosaminidase deficiency type 2. Also called: ALPHA-N-ACETYLGALACTOSAMINIDASE DEFICIENCY, TYPE II; NAGA DEFICIENCY, TYPE II; SCHINDLER DISEASE, TYPE II. Identifiers: Orphanet 3137, Orphanet 79280, MedGen C1836522, MONDO:0012222, OMIM 609242.
Alpha-N-acetylgalactosaminidase deficiency type 1. Also called: SCHINDLER DISEASE, TYPE I; ALPHA-N-ACETYLGALACTOSAMINIDASE DEFICIENCY, TYPE I; NAGA DEFICIENCY, TYPE I; NEUROAXONAL DYSTROPHY, SCHINDLER TYPE. Identifiers: Orphanet 3137, Orphanet 79279, Orphanet 79281, MedGen C1836544, MONDO:0012221, OMIM 609241.

Allele frequency attached by ClinVar (database versions not stated): gnomAD 0.00039 and 0.00050; TOPMed 0.00050; gnomAD exomes 0.00092; 1000 Genomes Project 30x 0.00203; 1000 Genomes Project 0.00220.
gnomAD v4.1: 246 of 338,360 alleles (0.073%); highest among the groups gnomAD compares: South Asian, 0.3%; 3 homozygotes.

Submissions (2):

Illumina Laboratory Services, Illumina
Classification: Likely benign for Alpha-N-acetylgalactosaminidase deficiency type 1. Last evaluated: 2018-01-13. Review status: criteria provided, single submitter. Criteria: ICSL Variant Classification Criteria 13 December 2019. Collection method: clinical testing. Allele origin: germline.
Comment: This variant was observed in the ICSL laboratory as part of a predisposition screen in an ostensibly healthy population. It had not been previously curated by ICSL or reported in the Human Gene Mutation Database (HGMD: prior to June 1st, 2018), and was therefore a candidate for classification through an automated scoring system. Utilizing variant allele frequency, disease prevalence and penetrance estimates, and inheritance mode, an automated score was calculated to assess if this variant is too frequent to cause the disease. Based on the score and internal cut-off values, a variant classified as likely benign is not then subjected to further curation. The score for this variant resulted in a classification of likely benign for this disease.

Illumina Laboratory Services, Illumina
Classification: Likely benign for Alpha-N-acetylgalactosaminidase deficiency type 2. Last evaluated: 2018-01-13. Review status: criteria provided, single submitter. Criteria: ICSL Variant Classification Criteria 13 December 2019. Collection method: clinical testing. Allele origin: germline.
Comment: the same text as in the submission from Illumina Laboratory Services, Illumina above.

NM_000262.3(NAGA):c.-394A>G

Genes: NAGA (alpha-N-acetylgalactosaminidase; minus strand), LOC130067582 (ATAC-STARR-seq lymphoblastoid silent region 13818; plus strand). Cytogenetic location: 22q13.2.
Variant type: single nucleotide variant.
Coding change: c.-394A>G on transcript NM_000262.3 (MANE Select); 394 bases upstream of the start codon, A replaced by G.
Molecular consequence: 5 prime UTR variant. On other transcripts: intron variant (2).
Genome position (GRCh38, 1-based): chr22:42,070,691, T>C on the plus strand (A>G on the coding strand, the complement: NAGA is on the minus strand). VCF-style: chr22-42070691-T-C. GRCh37 (hg19) VCF-style: chr22-42466695-T-C.
Other names: c.-70+72A>G (NM_001362850.1); c.-77+72A>G (NM_001362848.1).
Identifiers: ClinVar variation 899549 (VCV000899549.4), dbSNP rs377708906, ClinGen allele CA324658743.